The following is an entry in ClinVar:

NM_001134407.3(GRIN2A):c.4030T>C (p.Phe1344Leu)

Gene: GRIN2A (glutamate ionotropic receptor NMDA type subunit 2A; minus strand). Cytogenetic location: 16p13.2.
Variant type: single nucleotide variant.
Coding change: c.4030T>C on transcript NM_001134407.3 (MANE Select); coding-DNA position 4030, T replaced by C.
Protein change: p.Phe1344Leu; replaces phenylalanine 1344 with leucine.
Molecular consequence: missense variant. On other transcripts: intron variant (1).
Genome position (GRCh38, 1-based): chr16:9,763,514, A>G on the plus strand (T>C on the coding strand, the complement: GRIN2A is on the minus strand). VCF-style: chr16-9763514-A-G. GRCh37 (hg19) VCF-style: chr16-9857371-A-G.
Other names: c.4030T>C, p.Phe1344Leu (NM_000833.5); c.3773-86T>C (NM_001134408.2); short protein forms F1344L.
Identifiers: ClinVar variation 1057040 (VCV001057040.9), dbSNP rs2141127334, ClinGen allele CA394706259.

ClinVar aggregate classification (germline): Uncertain significance (1 of 4 stars; one submission).

Conditions:
Landau-Kleffner syndrome (FESD). Also called: APHASIA, ACQUIRED, WITH EPILEPSY; EPILEPSY, FOCAL, WITH SPEECH DISORDER AND WITH OR WITHOUT MENTAL RETARDATION. Identifiers: Orphanet 1945, Orphanet 725, Orphanet 98818, MedGen C0282512, MONDO:0009509, OMIM 245570.

Allele frequency attached by ClinVar (database versions not stated): gnomAD exomes below 0.00001.
gnomAD v4.1: 1 of 1,614,070 alleles (0.000062%); highest among the groups gnomAD compares: Non-Finnish European, 0.000085%; no homozygotes.

Submission:

Labcorp Genetics (formerly Invitae), Labcorp
Classification: Uncertain significance for Landau-Kleffner syndrome. Last evaluated: 2022-10-16. Review status: criteria provided, single submitter. Criteria: Invitae Variant Classification Sherloc (09022015). Collection method: clinical testing. Allele origin: germline.
Comment: This sequence change replaces phenylalanine, which is neutral and non-polar, with leucine, which is neutral and non-polar, at codon 1344 of the GRIN2A protein (p.Phe1344Leu). This variant is not present in population databases (gnomAD no frequency). This variant has not been reported in the literature in individuals affected with GRIN2A-related conditions. ClinVar contains an entry for this variant (Variation ID: 1057040). Advanced modeling of protein sequence and biophysical properties (such as structural, functional, and spatial information, amino acid conservation, physicochemical variation, residue mobility, and thermodynamic stability) performed at Invitae indicates that this missense variant is not expected to disrupt GRIN2A protein function. In summary, the available evidence is currently insufficient to determine the role of this variant in disease. Therefore, it has been classified as a Variant of Uncertain Significance.